The following is an entry in ClinVar:

ClinVar aggregate classification (germline): Benign (0 of 4 stars; one submission).

Conditions:
DCHS2-related disorder. Also called: DCHS2-related condition.

Allele frequency attached by ClinVar (database versions not stated): 1000 Genomes Project 30x 0.13148; 1000 Genomes Project 0.13379; TOPMed 0.13419; ESP Exome Variant Server 0.14017.
gnomAD v4.1: 261,358 of 1,613,852 alleles (16%); highest among the groups gnomAD compares: Middle Eastern, 22%; 22,455 homozygotes.

Submissions (3):

PreventionGenetics, part of Exact Sciences
Classification: Benign for DCHS2-related condition. Last evaluated: 2019-11-08. Review status: no assertion criteria provided. Collection method: clinical testing. Allele origin: germline.
Comment: This variant is classified as benign based on ACMG/AMP sequence variant interpretation guidelines (Richards et al. 2015 PMID: 25741868, with internal and published modifications).

Dr. Peter K. Rogan Lab, Western University
No classification provided (evidence only). Condition: Uterine carcinosarcoma. Review status: no classification provided. Collection method: in vitro. Allele origin: not applicable. Functional consequence: retained intron. Not counted in ClinVar's aggregate classification.

Dr. Peter K. Rogan Lab, Western University
No classification provided (evidence only). Condition: Uterine carcinosarcoma. Review status: no classification provided. Collection method: in vitro. Allele origin: not applicable. Functional consequence: retained intron. Not counted in ClinVar's aggregate classification.

NM_001358235.2(DCHS2):c.6148G>A (p.Glu2050Lys)

Genes: DCHS2 (dachsous cadherin-related 2; minus strand), DCHS2-AS1 (DCHS2 antisense RNA 1; plus strand). Cytogenetic location: 4q31.3.
Variant type: single nucleotide variant.
Coding change: c.6148G>A on transcript NM_001358235.2 (MANE Select); coding-DNA position 6148, G replaced by A.
Protein change: p.Glu2050Lys; replaces glutamic acid 2050 with lysine.
Molecular consequence: missense variant.
Genome position (GRCh38, 1-based): chr4:154,298,166, C>T on the plus strand (G>A on the coding strand, the complement: DCHS2 is on the minus strand). VCF-style: chr4-154298166-C-T. GRCh37 (hg19) VCF-style: chr4-155219318-C-T.
Other names: NC_000004.11:g.155219318C>T; short protein forms E2050K.
Identifiers: ClinVar variation 3055953 (VCV003055953.3), dbSNP rs28561984, ClinGen allele CA3112495.